The following is an entry in ClinVar:

ClinVar aggregate classification (germline): Conflicting classifications of pathogenicity. Review status: criteria provided, conflicting classifications (1 of 4 stars). 2 submissions from 2 submitters: Uncertain significance (1); Likely benign (1). Last evaluated 2021-09-09.

Conditions:
Hereditary cancer-predisposing syndrome. Also called: Hereditary Cancer Syndrome; Tumor predisposition; Neoplastic Syndromes, Hereditary; Hereditary neoplastic syndrome. Identifiers: Orphanet 140162, MedGen C0027672, MeSH D009386, MONDO:0015356.
Breast-ovarian cancer, familial, susceptibility to, 4. Identifiers: Orphanet 145, MedGen C3280345, MONDO:0013669, OMIM 614291.

Submissions (2):

Sema4
Classification: Uncertain significance for Hereditary cancer-predisposing syndrome. Last evaluated: 2021-09-09. Review status: criteria provided, single submitter. Criteria: Sema4 Curation Guidelines. Collection method: curation. Allele origin: germline.
Comment: The RAD51D c.668-8T>C variant has not been reported in the literature to our knowledge. It was not observed in the large and broad cohorts of the Genome Aggregation Database (PMID: 32461654). The variant has not been reported in ClinVar. In silico tools suggest that the variant does not have an impact on splicing, though these predictions have not been confirmed by functional studies. The evidence is insufficient to meet ACMG/AMP criteria for classifying the variant as benign or pathogenic. Thus, the clinical significance of this variant is currently uncertain.

Labcorp Genetics (formerly Invitae), Labcorp
Classification: Likely benign for Breast-ovarian cancer, familial, susceptibility to, 4. Last evaluated: 2021-03-02. Review status: criteria provided, single submitter. Criteria: Invitae Variant Classification Sherloc (09022015). Collection method: clinical testing. Allele origin: germline.

NM_002878.4(RAD51D):c.668-8T>C

Genes: RAD51D (RAD51 paralog D; minus strand), RAD51L3-RFFL (RAD51L3-RFFL readthrough; minus strand). Cytogenetic location: 17q12.
Variant type: single nucleotide variant.
Coding change: c.668-8T>C on transcript NM_002878.4 (MANE Select); 8 bases into the intron before coding-DNA position 668, T replaced by C.
Molecular consequence: intron variant.
Genome position (GRCh38, 1-based): chr17:35,103,332, A>G on the plus strand (T>C on the coding strand, the complement: RAD51D is on the minus strand). VCF-style: chr17-35103332-A-G. GRCh37 (hg19) VCF-style: chr17-33430351-A-G.
Other names: c.332-8T>C (NM_133629.3); c.728-8T>C (NM_001142571.2).
Identifiers: ClinVar variation 1538232 (VCV001538232.9), dbSNP rs2142418939, ClinGen allele CA2573153489.